The following is an entry in ClinVar:

NM_000284.4(PDHA1):c.57+6A>T

Gene: PDHA1 (pyruvate dehydrogenase E1 subunit alpha 1; plus strand). Cytogenetic location: Xp22.12.
Variant type: single nucleotide variant.
Coding change: c.57+6A>T on transcript NM_000284.4 (MANE Select); 6 bases into the intron after coding-DNA position 57, A replaced by T.
Molecular consequence: intron variant.
Genome position (GRCh38, 1-based): chrX:19,344,100, A>T. VCF-style: chrX-19344100-A-T. GRCh37 (hg19) VCF-style: chrX-19362218-A-T.
Other names: p.?; c.57+6A>T (NM_001173454.2, NM_001173455.2, NM_001173456.2).
Identifiers: ClinVar variation 756440 (VCV000756440.11), dbSNP rs375415868, ClinGen allele CA10362912.

ClinVar aggregate classification (germline): Likely benign. Review status: criteria provided, multiple submitters, no conflicts (2 of 4 stars). 2 submissions from 2 submitters: Likely benign (2). Last evaluated 2026-01-11.

Conditions:
Pyruvate dehydrogenase E1-alpha deficiency (PDHAD). Also called: Ataxia, intermittent, with pyruvate dehydrogenase, or decarboxylase, deficiency; ATAXIA, INTERMITTENT, WITH PYRUVATE DEHYDROGENASE DEFICIENCY; ATAXIA WITH LACTIC ACIDOSIS I; ATAXIA, INTERMITTENT, WITH ABNORMAL PYRUVATE METABOLISM. Identifiers: Orphanet 79243, MedGen C1839413, MONDO:0010717, OMIM 312170.

Allele frequency attached by ClinVar (database versions not stated): gnomAD exomes 0.00001 and 0.00004; ExAC 0.00007; ESP Exome Variant Server 0.00010; TOPMed 0.00011; gnomAD 0.00012 and 0.00014.
gnomAD v4.1: 31 of 1,195,679 alleles (0.0026%); highest among the groups gnomAD compares: African/African-American, 0.032%; no homozygotes.

Submissions (2):

Labcorp Genetics (formerly Invitae), Labcorp
Classification: Likely benign for Pyruvate dehydrogenase E1-alpha deficiency. Last evaluated: 2026-01-11. Review status: criteria provided, single submitter. Criteria: Invitae Variant Classification Sherloc (09022015). Collection method: clinical testing. Allele origin: germline.

Mayo Clinic Laboratories, Mayo Clinic
Classification: Likely benign. Last evaluated: 2025-11-23. Review status: criteria provided, single submitter. Criteria: ACMG Guidelines, 2015. Collection method: clinical testing. Allele origin: germline. Observed: 1 variant allele.
Comment: BS1, BS2_supporting, BP4, BP7